The following is an entry in ClinVar:

NC_000012.12:g.121641510A>G

Gene: ORAI1 (ORAI calcium release-activated calcium modulator 1; plus strand). Cytogenetic location: 12q24.31.
Variant type: single nucleotide variant.
Molecular consequence: non-coding transcript variant (on NR_186857.1).
Genome position: GRCh38 VCF-style: chr12-121641510-A-G. GRCh37 (hg19) VCF-style: chr12-122079416-A-G.
Identifiers: ClinVar variation 3752209 (VCV003752209.2).

ClinVar aggregate classification (germline): Uncertain significance (1 of 4 stars; one submission).

Conditions:
Myopathy, tubular aggregate, 2 (TAM2). Identifiers: MedGen C4014557, MONDO:0014383, OMIM 615883.
Combined immunodeficiency due to ORAI1 deficiency. Also called: IMMUNODEFICIENCY 9. Identifiers: Orphanet 169090, Orphanet 317428, MedGen C2748568, MONDO:0013007, OMIM 612782.

Submission:

Labcorp Genetics (formerly Invitae), Labcorp
Classification: Uncertain significance for Myopathy, tubular aggregate, 2; Combined immunodeficiency due to ORAI1 deficiency. Last evaluated: 2024-07-23. Review status: criteria provided, single submitter. Criteria: Invitae Variant Classification Sherloc (09022015). Collection method: clinical testing. Allele origin: germline.
Comment: This sequence change replaces tyrosine, which is neutral and polar, with cysteine, which is neutral and slightly polar, at codon 258 of the ORAI1 protein (p.Tyr258Cys). This variant is present in population databases (no rsID available, gnomAD 0.002%). This variant has not been reported in the literature in individuals affected with ORAI1-related conditions. Experimental studies and prediction algorithms are not available or were not evaluated, and the functional significance of this variant is currently unknown. In summary, the available evidence is currently insufficient to determine the role of this variant in disease. Therefore, it has been classified as a Variant of Uncertain Significance.